The following is an entry in ClinVar:

NM_182641.4(BPTF):c.7063A>G (p.Thr2355Ala)

Gene: BPTF (bromodomain PHD finger transcription factor; plus strand). Cytogenetic location: 17q24.2.
Variant type: single nucleotide variant.
Coding change: c.7063A>G on transcript NM_182641.4 (MANE Select); coding-DNA position 7063, A replaced by G.
Protein change: p.Thr2355Ala; replaces threonine 2355 with alanine.
Molecular consequence: missense variant.
Genome position (GRCh38, 1-based): chr17:67,945,771, A>G. VCF-style: chr17-67945771-A-G. GRCh37 (hg19) VCF-style: chr17-65941887-A-G.
Other names: c.7441A>G, p.Thr2481Ala (NM_004459.7); short protein forms T2355A, T2481A.
Identifiers: ClinVar variation 2572347 (VCV002572347.1), dbSNP rs2065764171, ClinGen allele CA400724286.

ClinVar aggregate classification (germline): Uncertain significance (1 of 4 stars; one submission).

Allele frequency attached by ClinVar (database versions not stated): TOPMed below 0.00001.

Submission:

Greenwood Genetic Center Diagnostic Laboratories, Greenwood Genetic Center
Classification: Uncertain significance. Last evaluated: 2023-04-19. Review status: criteria provided, single submitter. Criteria: ACMG Guidelines, 2015. Collection method: clinical testing. Allele origin: germline. Affected: yes.
Comment: PM2